The following is an entry in ClinVar:

ClinVar aggregate classification (germline): Likely benign. Review status: criteria provided, single submitter (1 of 4 stars). 2 submissions from 2 submitters: Likely benign (1). 1 of the submissions does not count toward it. Last evaluated 2025-09-02.

Conditions:
PLAA-related disorder. Also called: PLAA-related condition.

Allele frequency attached by ClinVar (database versions not stated): gnomAD exomes below 0.00001; gnomAD 0.00002; TOPMed 0.00002.
gnomAD v4.1: 8 of 1,613,914 alleles (0.0005%); highest among the groups gnomAD compares: South Asian, 0.0011%; no homozygotes.

Submissions (2):

Labcorp Genetics (formerly Invitae), Labcorp
Classification: Likely benign. Last evaluated: 2025-09-02. Review status: criteria provided, single submitter. Criteria: Invitae Variant Classification Sherloc (09022015). Collection method: clinical testing. Allele origin: germline.

PreventionGenetics, part of Exact Sciences
Classification: Likely benign for PLAA-related condition. Last evaluated: 2019-08-09. Review status: no assertion criteria provided. Collection method: clinical testing. Allele origin: germline. Not counted in ClinVar's aggregate classification.
Comment: This variant is classified as likely benign based on ACMG/AMP sequence variant interpretation guidelines (Richards et al. 2015 PMID: 25741868, with internal and published modifications).

NM_001031689.3(PLAA):c.1149A>C (p.Ser383=)

Gene: PLAA (phospholipase A2 activating protein; minus strand). Cytogenetic location: 9p21.2.
Variant type: single nucleotide variant.
Coding change: c.1149A>C on transcript NM_001031689.3 (MANE Select); coding-DNA position 1149, A replaced by C.
Protein change: p.Ser383=; no amino-acid change (serine 383 retained).
Molecular consequence: synonymous variant.
Genome position (GRCh38, 1-based): chr9:26,920,275, T>G on the plus strand (A>C on the coding strand, the complement: PLAA is on the minus strand). VCF-style: chr9-26920275-T-G. GRCh37 (hg19) VCF-style: chr9-26920273-T-G.
Other names: c.1149A>C, p.Ser383= (NM_001321546.2); c.1149A>C (NM_001031689.2).
Identifiers: ClinVar variation 1551984 (VCV001551984.9), dbSNP rs1331602080, ClinGen allele CA464158479.